The following is an entry in ClinVar:

NM_000212.3(ITGB3):c.122_125dup (p.Cys42Ter)

Gene: ITGB3 (integrin subunit beta 3; plus strand). Cytogenetic location: 17q21.32.
Variant type: Duplication.
Coding change: c.122_125dup on transcript NM_000212.3 (MANE Select); coding-DNA positions 122 to 125, 4 bases duplicated (AGTG; older notation c.122_125dupAGTG).
Protein change: p.Cys42Ter; replaces cysteine 42 with a stop codon.
Molecular consequence: nonsense.
Genome position (GRCh38, 1-based): chr17:47,274,461-47,274,464, AGTG duplicated. VCF-style (leftmost placement, unchanged base first): chr17-47274460-C-CAGTG. GRCh37 (hg19) VCF-style: chr17-45351826-C-CAGTG.
Other names: short protein forms C42*.
Identifiers: ClinVar variation 953030 (VCV000953030.2), dbSNP rs2065055824, ClinGen allele CA915940804.

ClinVar aggregate classification (germline): Pathogenic (3 of 4 stars; one submission).

Conditions:
Glanzmann thrombasthenia. Also called: BLEEDING DISORDER, PLATELET-TYPE, 2; THROMBASTHENIA OF GLANZMANN AND NAEGELI; PLATELET GLYCOPROTEIN IIb-IIIa DEFICIENCY; Glanzmann's thrombasthenia; Thrombasthenia. Identifiers: Orphanet 849, MedGen C0040015, MONDO:0100326.

Submission:

ClinGen Platelet Disorders Variant Curation Expert Panel, ClinGen
Classification: Pathogenic for Glanzmann thrombasthenia. Last evaluated: 2020-06-04. Review status: reviewed by expert panel. Criteria: ClinGen Platelet ACMG Specifications v2. Collection method: curation. Allele origin: germline. Inheritance: Autosomal recessive inheritance.
Comment: The NM_000212.2:c.122_125dup variant results in premature termination of translation at Cys42 in exon 2/15. The resulting transcript is predicted to undergo NMD. The variant is absent from all population databases including gnomAD. The variant is reported in one homozygous individual who does not meet criteria for PP4 (PMID: 12353082). In summary, based on the evidence available at this time, the variant is classified as pathogenic. GT-specific criteria applied: PVS1, PM2_Supporting, PM3_Supporting.